The following is an entry in ClinVar:

ClinVar aggregate classification (germline): Uncertain significance (1 of 4 stars; one submission).

Submission:

GeneDx
Classification: Uncertain significance. Last evaluated: 2026-01-21. Review status: criteria provided, single submitter. Criteria: GeneDx Variant Classification Process June 2021. Collection method: clinical testing. Allele origin: germline.
Comment: Not observed at significant frequency in large population cohorts (gnomAD); In silico analysis suggests that this missense variant does not alter protein structure/function; Has not been previously published as pathogenic or benign to our knowledge

NM_152564.5(VPS13B):c.11139G>C (p.Glu3713Asp)

Gene: VPS13B (vacuolar protein sorting 13 homolog B; plus strand). Cytogenetic location: 8q22.2.
Variant type: single nucleotide variant.
Coding change: c.11139G>C on transcript NM_152564.5 (MANE Select); coding-DNA position 11139, G replaced by C.
Protein change: p.Glu3713Asp; replaces glutamic acid 3713 with aspartic acid.
Molecular consequence: missense variant.
Genome position (GRCh38, 1-based): chr8:99,861,870, G>C. VCF-style: chr8-99861870-G-C. GRCh37 (hg19) VCF-style: chr8-100874098-G-C.
Other names: c.11214G>C, p.Glu3738Asp (NM_017890.5); short protein forms E3713D, E3738D.
Identifiers: ClinVar variation 4888189 (VCV004888189.1).
Genomic context (GRCh38, chr8:99,861,870, plus strand): 5'-CCTGGCCCGGAACATGGACCGGCTCTCACTGGATGAGGAGCACTACAACCGGCAGGAGGA[G>C]TGGCGGCGGCAGCTCCCCGAGAGCCTGGGCGAGGGGCTTCGACAGGGCCTGTCCCGGCTG-3'
Protein context (NP_689777.3, residues 3703-3723): LDEEHYNRQE[Glu3713Asp]WRRQLPESLG